The following is an entry in ClinVar:

ClinVar aggregate classification (germline): Uncertain significance. Review status: criteria provided, multiple submitters, no conflicts (2 of 4 stars). 2 submissions from 2 submitters: Uncertain significance (2). Last evaluated 2024-11-12.

Conditions:
Hereditary sensory and autonomic neuropathy type 1 (HSAN1). Also called: HSAN 1; HSN Type I; Hereditary Sensory Neuropathy Type I. Identifiers: Orphanet 36386, MedGen C0020071, MONDO:0018213.

Allele frequency attached by ClinVar (database versions not stated): gnomAD 0.00001; gnomAD exomes below 0.00001; TOPMed below 0.00001; ExAC 0.00001.
gnomAD v4.1: 57 of 1,613,182 alleles (0.0035%); highest among the groups gnomAD compares: Non-Finnish European, 0.0047%; no homozygotes.

Submissions (2):

Blueprint Genetics
Classification: Uncertain significance. Last evaluated: 2024-11-12. Review status: criteria provided, single submitter. Criteria: ACMG Guidelines, 2015. Collection method: clinical testing. Allele origin: germline.

Labcorp Genetics (formerly Invitae), Labcorp
Classification: Uncertain significance for Hereditary sensory and autonomic neuropathy type 1. Last evaluated: 2024-08-28. Review status: criteria provided, single submitter. Criteria: Invitae Variant Classification Sherloc (09022015). Collection method: clinical testing. Allele origin: germline.
Comment: This sequence change replaces alanine, which is neutral and non-polar, with glycine, which is neutral and non-polar, at codon 121 of the SPTLC1 protein (p.Ala121Gly). This variant is present in population databases (rs769799806, gnomAD 0.0009%). This variant has not been reported in the literature in individuals affected with SPTLC1-related conditions. ClinVar contains an entry for this variant (Variation ID: 834492). Invitae Evidence Modeling of protein sequence and biophysical properties (such as structural, functional, and spatial information, amino acid conservation, physicochemical variation, residue mobility, and thermodynamic stability) indicates that this missense variant is not expected to disrupt SPTLC1 protein function with a negative predictive value of 80%. In summary, the available evidence is currently insufficient to determine the role of this variant in disease. Therefore, it has been classified as a Variant of Uncertain Significance.

NM_006415.4(SPTLC1):c.362C>G (p.Ala121Gly)

Gene: SPTLC1 (serine palmitoyltransferase long chain base subunit 1; minus strand). Cytogenetic location: 9q22.31.
Variant type: single nucleotide variant.
Coding change: c.362C>G on transcript NM_006415.4 (MANE Select); coding-DNA position 362, C replaced by G.
Protein change: p.Ala121Gly; replaces alanine 121 with glycine.
Molecular consequence: missense variant. On other transcripts: 5 prime UTR variant (2).
Genome position (GRCh38, 1-based): chr9:92,080,081, G>C on the plus strand (C>G on the coding strand, the complement: SPTLC1 is on the minus strand). VCF-style: chr9-92080081-G-C. GRCh37 (hg19) VCF-style: chr9-94842363-G-C.
Other names: c.362C>G, p.Ala121Gly (NM_001281303.2, NM_178324.3); c.-138C>G (NM_001368272.1); c.-104C>G (NM_001368273.1); short protein forms A121G.
Identifiers: ClinVar variation 834492 (VCV000834492.8), dbSNP rs769799806, ClinGen allele CA5121587.
Genomic context (GRCh38, chr9:92,080,081, plus strand): 5'-GTGCCATAAAATCCTCTGGGTCCACAAGTCCCCACGCCATACTTCTTTAGAGATGCTAAA[G>C]CTGCTGCCTTTATTGAAGTACAAGAATTATACTTTAATAATTTATCTTTAAGAGTTCAAA-3'
Protein context (NP_006406.1, residues 111-131): LLDNPRVKAA[Ala121Gly]LASLKKYGVG